The following is an entry in ClinVar:

NM_001358921.2(COQ2):c.952-9C>G

Gene: COQ2 (coenzyme Q2, polyprenyltransferase; minus strand). Cytogenetic location: 4q21.23.
Variant type: single nucleotide variant.
Coding change: c.952-9C>G on transcript NM_001358921.2 (MANE Select); 9 bases into the intron before coding-DNA position 952, C replaced by G.
Molecular consequence: intron variant.
Genome position (GRCh38, 1-based): chr4:83,264,372, G>C on the plus strand (C>G on the coding strand, the complement: COQ2 is on the minus strand). VCF-style: chr4-83264372-G-C. GRCh37 (hg19) VCF-style: chr4-84185525-G-C.
Other names: c.1102-9C>G (NM_015697.9).
Identifiers: ClinVar variation 3046643 (VCV003046643.2), dbSNP rs561450756, ClinGen allele CA1472642722.

ClinVar aggregate classification (germline): Likely benign (0 of 4 stars; one submission).

Conditions:
COQ2-related disorder. Also called: COQ2-related condition.

gnomAD v4.1: 1 of 1,590,052 alleles (0.000063%); highest among the groups gnomAD compares: Non-Finnish European, 0.000085%; no homozygotes.

Submission:

PreventionGenetics, part of Exact Sciences
Classification: Likely benign for COQ2-related condition. Last evaluated: 2023-08-30. Review status: no assertion criteria provided. Collection method: clinical testing. Allele origin: germline.
Comment: This variant is classified as likely benign based on ACMG/AMP sequence variant interpretation guidelines (Richards et al. 2015 PMID: 25741868, with internal and published modifications).